The following is an entry in ClinVar:

ClinVar aggregate classification (germline): Uncertain significance. Review status: criteria provided, multiple submitters, no conflicts (2 of 4 stars). 2 submissions from 2 submitters: Uncertain significance (2). Last evaluated 2024-04-20.

Conditions:
Cardiovascular phenotype. Identifiers: MedGen CN230736.

Allele frequency attached by ClinVar (database versions not stated): gnomAD exomes below 0.00001; gnomAD 0.00002; TOPMed 0.00004.
gnomAD v4.1: 8 of 1,613,980 alleles (0.0005%); highest among the groups gnomAD compares: African/African-American, 0.0013%; no homozygotes.

Submissions (2):

Labcorp Genetics (formerly Invitae), Labcorp
Classification: Uncertain significance. Last evaluated: 2024-04-20. Review status: criteria provided, single submitter. Criteria: Invitae Variant Classification Sherloc (09022015). Collection method: clinical testing. Allele origin: germline.
Comment: This sequence change replaces serine, which is neutral and polar, with phenylalanine, which is neutral and non-polar, at codon 79 of the APOA1 protein (p.Ser79Phe). This variant is not present in population databases (gnomAD no frequency). This variant has not been reported in the literature in individuals affected with APOA1-related conditions. ClinVar contains an entry for this variant (Variation ID: 1500563). Advanced modeling of protein sequence and biophysical properties (such as structural, functional, and spatial information, amino acid conservation, physicochemical variation, residue mobility, and thermodynamic stability) performed at Invitae indicates that this missense variant is expected to disrupt APOA1 protein function with a positive predictive value of 80%. In summary, the available evidence is currently insufficient to determine the role of this variant in disease. Therefore, it has been classified as a Variant of Uncertain Significance.

Ambry Genetics
Classification: Uncertain significance for Cardiovascular phenotype. Last evaluated: 2019-11-05. Review status: criteria provided, single submitter. Criteria: Ambry Variant Classification Scheme 2023. Collection method: clinical testing. Allele origin: germline.
Comment: The p.S79F variant (also known as c.236C>T), located in coding exon 3 of the APOA1 gene, results from a C to T substitution at nucleotide position 236. The serine at codon 79 is replaced by phenylalanine, an amino acid with highly dissimilar properties. This amino acid position is not well conserved in available vertebrate species. In addition, this alteration is predicted to be tolerated by in silico analysis. Since supporting evidence is limited at this time, the clinical significance of this alteration remains unclear.

NM_000039.3(APOA1):c.236C>T (p.Ser79Phe)

Genes: APOA1 (apolipoprotein A1; minus strand), APOA1-AS (APOA1 antisense RNA; plus strand). Cytogenetic location: 11q23.3.
Variant type: single nucleotide variant.
Coding change: c.236C>T on transcript NM_000039.3 (MANE Select); coding-DNA position 236, C replaced by T.
Protein change: p.Ser79Phe; replaces serine 79 with phenylalanine.
Molecular consequence: missense variant.
Genome position (GRCh38, 1-based): chr11:116,836,376, G>A on the plus strand (C>T on the coding strand, the complement: APOA1 is on the minus strand). VCF-style: chr11-116836376-G-A. GRCh37 (hg19) VCF-style: chr11-116707092-G-A.
Other names: c.236C>T, p.Ser79Phe (NM_001318017.2, NM_001318018.2); c.-92C>T (NM_001318021.2); short protein forms S79F.
Identifiers: ClinVar variation 1500563 (VCV001500563.10), dbSNP rs1490305966, ClinGen allele CA382717361.